The following is an entry in ClinVar:

ClinVar aggregate classification (germline): Uncertain significance. Review status: criteria provided, multiple submitters, no conflicts (2 of 4 stars). 2 submissions from 2 submitters: Uncertain significance (2). Last evaluated 2024-12-07.

Allele frequency attached by ClinVar (database versions not stated): TOPMed 0.00004; gnomAD 0.00002; gnomAD exomes 0.00003.
gnomAD v4.1: 36 of 1,351,530 alleles (0.0027%); highest among the groups gnomAD compares: Admixed American, 0.004%; no homozygotes.

Submissions (2):

Ambry Genetics
Classification: Uncertain significance. Last evaluated: 2024-12-07. Review status: criteria provided, single submitter. Criteria: Ambry Variant Classification Scheme 2023. Collection method: clinical testing. Allele origin: germline.

Labcorp Genetics (formerly Invitae), Labcorp
Classification: Uncertain significance. Last evaluated: 2022-08-05. Review status: criteria provided, single submitter. Criteria: Invitae Variant Classification Sherloc (09022015). Collection method: clinical testing. Allele origin: germline.
Comment: This sequence change replaces valine, which is neutral and non-polar, with alanine, which is neutral and non-polar, at codon 69 of the MESP1 protein (p.Val69Ala). This variant is not present in population databases (gnomAD no frequency). This variant has not been reported in the literature in individuals affected with MESP1-related conditions. Algorithms developed to predict the effect of missense changes on protein structure and function output the following: SIFT: "Tolerated"; PolyPhen-2: "Benign"; Align-GVGD: "Class C0". The alanine amino acid residue is found in multiple mammalian species, which suggests that this missense change does not adversely affect protein function. In summary, the available evidence is currently insufficient to determine the role of this variant in disease. Therefore, it has been classified as a Variant of Uncertain Significance.

NM_018670.4(MESP1):c.206T>C (p.Val69Ala)

Genes: MESP1 (mesoderm posterior bHLH transcription factor 1; minus strand), LOC130057889 (ATAC-STARR-seq lymphoblastoid silent region 6804; plus strand). Cytogenetic location: 15q26.1.
Variant type: single nucleotide variant.
Coding change: c.206T>C on transcript NM_018670.4 (MANE Select); coding-DNA position 206, T replaced by C.
Protein change: p.Val69Ala; replaces valine 69 with alanine.
Molecular consequence: missense variant.
Genome position (GRCh38, 1-based): chr15:89,751,026, A>G on the plus strand (T>C on the coding strand, the complement: MESP1 is on the minus strand). VCF-style: chr15-89751026-A-G. GRCh37 (hg19) VCF-style: chr15-90294257-A-G.
Other names: c.206T>C (NM_018670.3); short protein forms V69A.
Identifiers: ClinVar variation 2070838 (VCV002070838.5), dbSNP rs1212639171, ClinGen allele CA393788880.